The following is an entry in ClinVar:

NM_004168.4(SDHA):c.1231G>A (p.Gly411Ser)

Gene: SDHA (succinate dehydrogenase complex flavoprotein subunit A; plus strand). Cytogenetic location: 5p15.33.
Variant type: single nucleotide variant.
Coding change: c.1231G>A on transcript NM_004168.4 (MANE Select); coding-DNA position 1231, G replaced by A.
Protein change: p.Gly411Ser; replaces glycine 411 with serine.
Molecular consequence: missense variant.
Genome position (GRCh38, 1-based): chr5:235,310, G>A. VCF-style: chr5-235310-G-A. GRCh37 (hg19) VCF-style: chr5-235425-G-A.
Other names: c.1087G>A, p.Gly363Ser (NM_001294332.2); c.1231G>A, p.Gly411Ser (NM_001330758.2); short protein forms G363S, G411S.
Identifiers: ClinVar variation 1384712 (VCV001384712.6), dbSNP rs2126585602, ClinGen allele CA359013720.

ClinVar aggregate classification (germline): Uncertain significance (1 of 4 stars; one submission).

Conditions:
Mitochondrial complex II deficiency, nuclear type 1. Also called: SUCCINATE CoQ REDUCTASE DEFICIENCY. Identifiers: Orphanet 3208, MedGen C5700310, MONDO:0100294, OMIM 252011.
Pheochromocytoma/paraganglioma syndrome 5. Also called: Paragangliomas 5; SDHA-Related Hereditary Paraganglioma-Pheochromocytoma Syndrome. Identifiers: Orphanet 29072, MedGen C3279992, MONDO:0013602, OMIM 614165.

Submission:

Labcorp Genetics (formerly Invitae), Labcorp
Classification: Uncertain significance for Pheochromocytoma/paraganglioma syndrome 5; Mitochondrial complex II deficiency, nuclear type 1. Last evaluated: 2021-07-31. Review status: criteria provided, single submitter. Criteria: Invitae Variant Classification Sherloc (09022015). Collection method: clinical testing. Allele origin: germline.
Comment: In summary, the available evidence is currently insufficient to determine the role of this variant in disease. Therefore, it has been classified as a Variant of Uncertain Significance. Advanced modeling of protein sequence and biophysical properties (such as structural, functional, and spatial information, amino acid conservation, physicochemical variation, residue mobility, and thermodynamic stability) performed at Invitae indicates that this missense variant is expected to disrupt SDHA protein function. This variant has not been reported in the literature in individuals affected with SDHA-related conditions. This variant is not present in population databases (ExAC no frequency). This sequence change replaces glycine with serine at codon 411 of the SDHA protein (p.Gly411Ser). The glycine residue is highly conserved and there is a small physicochemical difference between glycine and serine.